The following is an entry in ClinVar:

ClinVar aggregate classification (germline): Uncertain significance (1 of 4 stars; one submission).

Conditions:
Cardiovascular phenotype. Identifiers: MedGen CN230736.

gnomAD v4.1: 1 of 1,613,370 alleles (0.000062%); no homozygotes.

Submission:

Ambry Genetics
Classification: Uncertain significance for Cardiovascular phenotype. Last evaluated: 2025-10-27. Review status: criteria provided, single submitter. Criteria: Ambry Variant Classification Scheme 2023. Collection method: clinical testing. Allele origin: germline.
Comment: The p.D721Y variant (also known as c.2161G>T), located in coding exon 13 of the JUP gene, results from a G to T substitution at nucleotide position 2161. The aspartic acid at codon 721 is replaced by tyrosine, an amino acid with highly dissimilar properties. This amino acid position is conserved. In addition, this alteration is predicted to be tolerated by in silico analysis. Based on the available evidence, the clinical significance of this variant remains unclear.

NM_002230.4(JUP):c.2161G>T (p.Asp721Tyr)

Gene: JUP (junction plakoglobin; minus strand). Cytogenetic location: 17q21.2.
Variant type: single nucleotide variant.
Coding change: c.2161G>T on transcript NM_002230.4 (MANE Select); coding-DNA position 2161, G replaced by T.
Protein change: p.Asp721Tyr; replaces aspartic acid 721 with tyrosine.
Molecular consequence: missense variant.
Genome position (GRCh38, 1-based): chr17:41,755,821, C>A on the plus strand (G>T on the coding strand, the complement: JUP is on the minus strand). VCF-style: chr17-41755821-C-A. GRCh37 (hg19) VCF-style: chr17-39912073-C-A.
Other names: c.2161G>T, p.Asp721Tyr (NM_001352773.2, NM_001352774.2, NM_001352775.2 and 3 more transcripts); short protein forms D721Y.
Identifiers: ClinVar variation 4614317 (VCV004614317.1).